The following is an entry in ClinVar:

NM_001286.5(CLCN6):c.2529+6C>A

Genes: CLCN6 (Cl-/H+ antiporter 6; plus strand), LOC129929417 (ATAC-STARR-seq lymphoblastoid active region 178; plus strand). Cytogenetic location: 1p36.22.
Variant type: single nucleotide variant.
Coding change: c.2529+6C>A on transcript NM_001286.5 (MANE Select); 6 bases into the intron after coding-DNA position 2529, C replaced by A.
Molecular consequence: intron variant.
Genome position (GRCh38, 1-based): chr1:11,838,666, C>A. VCF-style: chr1-11838666-C-A. GRCh37 (hg19) VCF-style: chr1-11898723-C-A.
Other names: c.2463+6C>A (NM_001256959.2).
Identifiers: ClinVar variation 3009849 (VCV003009849.3), dbSNP rs560036425, ClinGen allele CA596878.

ClinVar aggregate classification (germline): Uncertain significance (1 of 4 stars; one submission).

Allele frequency attached by ClinVar (database versions not stated): ExAC 0.00002.
gnomAD v4.1: 4 of 1,614,090 alleles (0.00025%); highest among the groups gnomAD compares: Non-Finnish European, 0.00034%; no homozygotes.

Submission:

Labcorp Genetics (formerly Invitae), Labcorp
Classification: Uncertain significance. Last evaluated: 2025-10-02. Review status: criteria provided, single submitter. Criteria: Invitae Variant Classification Sherloc (09022015). Collection method: clinical testing. Allele origin: germline.
Comment: This sequence change falls in intron 22 of the CLCN6 gene. It does not directly change the encoded amino acid sequence of the CLCN6 protein. It affects a nucleotide within the consensus splice site. This variant is present in population databases (rs560036425, gnomAD 0.002%). This variant has not been reported in the literature in individuals affected with CLCN6-related conditions. ClinVar contains an entry for this variant (Variation ID: 3009849). Variants that disrupt the consensus splice site are a relatively common cause of aberrant splicing (PMID: 17576681, 9536098). Algorithms developed to predict the effect of sequence changes on RNA splicing suggest that this variant is not likely to affect RNA splicing. In summary, the available evidence is currently insufficient to determine the role of this variant in disease. Therefore, it has been classified as a Variant of Uncertain Significance.

Literature cited by the submitters: PubMed 17576681; PubMed 9536098.